The following is an entry in ClinVar:

NM_001042492.3(NF1):c.5780dup (p.Leu1927fs)

Gene: NF1 (neurofibromin 1; plus strand). Cytogenetic location: 17q11.2.
Variant type: Duplication.
Coding change: c.5780dup on transcript NM_001042492.3 (MANE Select); coding-DNA position 5780, one base duplicated (T; older notation c.5780dupT).
Protein change: p.Leu1927fs; shifts the reading frame from leucine 1927.
Molecular consequence: frameshift variant.
Genome position (GRCh38, 1-based): chr17:31,330,466, T duplicated; the last of 5 consecutive T bases (chr17:31,330,462-31,330,466); duplicating any one gives the same sequence. VCF-style (leftmost placement, unchanged base first): chr17-31330461-A-AT. GRCh37 (hg19) VCF-style: chr17-29657479-A-AT.
Other names: c.5717dup, p.Leu1906Phefs (NM_000267.4); short protein forms L1906fs, L1927fs.
Identifiers: ClinVar variation 1453687 (VCV001453687.6), dbSNP rs1135402880, ClinGen allele CA2573153425.
Genomic context (GRCh38, chr17:31,330,461, plus strand): 5'-CCTCTTTATTGTCTCTATTAGTAAGACACTGGCAGCCAATGAGCCACACCTCACGTTAGA[A>AT]TTTTTGGAAGAGTGTATTTCTGGATTTAGCAAATCTAGTAAGTAATGATAATTTTCTTTA-3'

ClinVar aggregate classification (germline): Pathogenic (1 of 4 stars; one submission).

Conditions:
Neurofibromatosis, type 1 (NF1). Also called: Neurofibromatosis, type I; VON RECKLINGHAUSEN DISEASE; NEUROFIBROMATOSIS, TYPE I, SOMATIC; Peripheral type neurofibromatosis. Identifiers: Orphanet 636, MedGen C0027831, MONDO:0018975, OMIM 162200. Disease mechanism: loss of function.

Submission:

Labcorp Genetics (formerly Invitae), Labcorp
Classification: Pathogenic for Neurofibromatosis, type 1. Last evaluated: 2021-04-02. Review status: criteria provided, single submitter. Criteria: Invitae Variant Classification Sherloc (09022015). Collection method: clinical testing. Allele origin: germline.
Comment: For these reasons, this variant has been classified as Pathogenic. This sequence change creates a premature translational stop signal (p.Leu1906Phefs*9) in the NF1 gene. It is expected to result in an absent or disrupted protein product. Loss-of-function variants in NF1 are known to be pathogenic (PMID: 10712197, 23913538). This variant is not present in population databases (ExAC no frequency). This variant has not been reported in the literature in individuals with NF1-related conditions.

Literature cited by the submitters: PubMed 10712197; PubMed 23913538.